The following is an entry in ClinVar:

NM_025137.4(SPG11):c.6477G>A (p.Val2159=)

Gene: SPG11 (SPG11 vesicle trafficking associated, spatacsin; minus strand). Cytogenetic location: 15q21.1.
Variant type: single nucleotide variant.
Coding change: c.6477G>A on transcript NM_025137.4 (MANE Select); coding-DNA position 6477, G replaced by A.
Protein change: p.Val2159=; no amino-acid change (valine 2159 retained).
Molecular consequence: synonymous variant.
Genome position (GRCh38, 1-based): chr15:44,570,525, C>T on the plus strand (G>A on the coding strand, the complement: SPG11 is on the minus strand). VCF-style: chr15-44570525-C-T. GRCh37 (hg19) VCF-style: chr15-44862723-C-T.
Other names: c.6138G>A, p.Val2046= (NM_001160227.2); c.6333G>A, p.Val2111= (NM_001411132.1).
Identifiers: ClinVar variation 3006005 (VCV003006005.3), dbSNP rs2505205057, ClinGen allele CA490203024.
Genomic context (GRCh38, chr15:44,570,525, plus strand): 5'-CTTTCTACTACTCTCAAAGGTTTCCACAGGATGGAGACTGGGGTTGAGGGGGCTACTTAC[C>T]ACCAGCCCATACTCCTCACTGGGGGCCAGGTGGTTATCTGTGAGCATGTGGGCGGCCTGT-3'
Protein context (NP_079413.3, residues 2149-2169): HLAPSEEYGL[Val2159=]VRLLTGIGRY

ClinVar aggregate classification (germline): Uncertain significance (1 of 4 stars; one submission).

Conditions:
Hereditary spastic paraplegia 11. Also called: Spastic Paraplegia 11; Spastic paraplegia, mental retardation and thin corpus callosum; SPASTIC PARAPLEGIA, AUTOSOMAL RECESSIVE, COMPLICATED, WITH THIN CORPUS CALLOSUM; SPASTIC PARAPLEGIA, AUTOSOMAL RECESSIVE, WITH MENTAL IMPAIRMENT AND THIN CORPUS CALLOSUM; Nakamura Osame syndrome; Autosomal recessive hereditary spastic paraplegia, mental impairment, and thin corpus callosum. Identifiers: Orphanet 2822, MedGen C1858479, MONDO:0011445, OMIM 604360.

Allele frequency attached by ClinVar (database versions not stated): gnomAD exomes below 0.00001.
gnomAD v4.1: 2 of 1,614,034 alleles (0.00012%); highest among the groups gnomAD compares: Non-Finnish European, 0.00017%; no homozygotes.

Submission:

Labcorp Genetics (formerly Invitae), Labcorp
Classification: Uncertain significance for Hereditary spastic paraplegia 11. Last evaluated: 2023-10-09. Review status: criteria provided, single submitter. Criteria: Invitae Variant Classification Sherloc (09022015). Collection method: clinical testing. Allele origin: germline.
Comment: This sequence change affects codon 2159 of the SPG11 mRNA. It is a 'silent' change, meaning that it does not change the encoded amino acid sequence of the SPG11 protein. This variant also falls at the last nucleotide of exon 34, which is part of the consensus splice site for this exon. This variant is not present in population databases (gnomAD no frequency). This variant has not been reported in the literature in individuals affected with SPG11-related conditions. Variants that disrupt the consensus splice site are a relatively common cause of aberrant splicing (PMID: 17576681, 9536098). Algorithms developed to predict the effect of sequence changes on RNA splicing suggest that this variant may disrupt the consensus splice site. In summary, the available evidence is currently insufficient to determine the role of this variant in disease. Therefore, it has been classified as a Variant of Uncertain Significance.

Literature cited by the submitters: PubMed 17576681; PubMed 9536098.